The following is an entry in ClinVar:

ClinVar aggregate classification (germline): Uncertain significance (1 of 4 stars; one submission).

Conditions:
Charcot-Marie-Tooth disease recessive intermediate C. Also called: CHARCOT-MARIE-TOOTH NEUROPATHY, RECESSIVE INTERMEDIATE C. Identifiers: Orphanet 369867, MedGen C3809309, MONDO:0014154, OMIM 615376.
Neuronopathy, distal hereditary motor, autosomal recessive 4. Also called: Autosomal recessive lower motor neuron disease with childhood onset; NEUROPATHY, DISTAL HEREDITARY MOTOR, AUTOSOMAL RECESSIVE 4. Identifiers: Orphanet 206580, MedGen C1970211, MONDO:0012608, OMIM 611067.

gnomAD v4.1: 8 of 1,609,234 alleles (0.0005%); highest among the groups gnomAD compares: Admixed American, 0.0017%; no homozygotes.

Submission:

Labcorp Genetics (formerly Invitae), Labcorp
Classification: Uncertain significance for Neuronopathy, distal hereditary motor, autosomal recessive 4; Charcot-Marie-Tooth disease recessive intermediate C. Last evaluated: 2021-08-27. Review status: criteria provided, single submitter. Criteria: Invitae Variant Classification Sherloc (09022015). Collection method: clinical testing. Allele origin: germline.
Comment: This sequence change replaces phenylalanine with serine at codon 830 of the PLEKHG5 protein (p.Phe830Ser). The phenylalanine residue is moderately conserved and there is a large physicochemical difference between phenylalanine and serine. This variant is present in population databases (rs764007395, ExAC 0.002%). This variant has not been reported in the literature in individuals affected with PLEKHG5-related conditions. Algorithms developed to predict the effect of missense changes on protein structure and function are either unavailable or do not agree on the potential impact of this missense change (SIFT: "Deleterious"; PolyPhen-2: "Possibly Damaging"; Align-GVGD: "Class C0"). In summary, the available evidence is currently insufficient to determine the role of this variant in disease. Therefore, it has been classified as a Variant of Uncertain Significance.

NM_020631.6(PLEKHG5):c.2489T>C (p.Phe830Ser)

Gene: PLEKHG5 (pleckstrin homology and RhoGEF domain containing G5; minus strand). Cytogenetic location: 1p36.31.
Variant type: single nucleotide variant.
Coding change: c.2489T>C on transcript NM_020631.6 (MANE Select); coding-DNA position 2489, T replaced by C.
Protein change: p.Phe830Ser; replaces phenylalanine 830 with serine.
Molecular consequence: missense variant.
Genome position (GRCh38, 1-based): chr1:6,468,347, A>G on the plus strand (T>C on the coding strand, the complement: PLEKHG5 is on the minus strand). VCF-style: chr1-6468347-A-G. GRCh37 (hg19) VCF-style: chr1-6528407-A-G.
Other names: c.2600T>C, p.Phe867Ser (NM_001042663.3, NM_001265592.2); c.2489T>C, p.Phe830Ser (NM_001042664.2, NM_001042665.2, NM_001265594.3 and 1 more transcripts); c.2696T>C, p.Phe899Ser (NM_001265593.2); short protein forms F830S, F899S, F867S.
Identifiers: ClinVar variation 536768 (VCV000536768.6), dbSNP rs764007395, ClinGen allele CA561146.
Genomic context (GRCh38, chr1:6,468,347, plus strand): 5'-GGAACTCGTGGGGACTCTGGGGCCCGAGGCACTAGCTCTGCCATTGGGCCTGGGGCCACA[A>G]AGTCTTGTAAGGAGGTTGGGGAGAGGGTGCCGTAGGCAGAGTCCATGGAGCAGGAGCGGC-3'
Protein context (NP_065682.2, residues 820-840): GTLSPTSLQD[Phe830Ser]VAPGPMAELV